The following is an entry in ClinVar:

NM_000051.4(ATM):c.7129G>C (p.Asp2377His)

Genes: ATM (ATM serine/threonine kinase; plus strand), C11orf65 (chromosome 11 open reading frame 65; minus strand). Cytogenetic location: 11q22.3.
Variant type: single nucleotide variant.
Coding change: c.7129G>C on transcript NM_000051.4 (MANE Select); coding-DNA position 7129, G replaced by C.
Protein change: p.Asp2377His; replaces aspartic acid 2377 with histidine.
Molecular consequence: missense variant. On other transcripts: intron variant (2).
Genome position (GRCh38, 1-based): chr11:108,329,060, G>C. VCF-style: chr11-108329060-G-C. GRCh37 (hg19) VCF-style: chr11-108199787-G-C.
Other names: c.7129G>C, p.Asp2377His (NM_001351834.2); c.641-19989C>G (NM_001330368.2); c.*38+6160C>G (NM_001351110.2); short protein forms D2377H.
Identifiers: ClinVar variation 3691222 (VCV003691222.2).

ClinVar aggregate classification (germline): Uncertain significance (1 of 4 stars; one submission).

Conditions:
Ataxia-telangiectasia syndrome (AT). Also called: Ataxia-telangiectasia, complementation group D; AT, COMPLEMENTATION GROUP C; ATAXIA-TELANGIECTASIA, COMPLEMENTATION GROUP A; ATAXIA-TELANGIECTASIA, FRESNO VARIANT; Ataxia-telangiectasia; Ataxia-telangiectasia, complementation group E. Identifiers: Orphanet 100, MedGen C0004135, MONDO:0008840, OMIM 208900.

Submission:

Labcorp Genetics (formerly Invitae), Labcorp
Classification: Uncertain significance for Ataxia-telangiectasia syndrome. Last evaluated: 2024-09-30. Review status: criteria provided, single submitter. Criteria: Invitae Variant Classification Sherloc (09022015). Collection method: clinical testing. Allele origin: germline.
Comment: This sequence change replaces aspartic acid, which is acidic and polar, with histidine, which is basic and polar, at codon 2377 of the ATM protein (p.Asp2377His). This variant is not present in population databases (gnomAD no frequency). This variant has not been reported in the literature in individuals affected with ATM-related conditions. An algorithm developed to predict the effect of missense changes on protein structure and function (PolyPhen-2) suggests that this variant is likely to be disruptive. In summary, the available evidence is currently insufficient to determine the role of this variant in disease. Therefore, it has been classified as a Variant of Uncertain Significance.